The following is an entry in ClinVar:

ClinVar aggregate classification (germline): Pathogenic. Review status: criteria provided, multiple submitters, no conflicts (2 of 4 stars). 2 submissions from 2 submitters: Pathogenic (2). Last evaluated 2023-05-30.

Conditions:
Familial cancer of breast. Also called: BREAST CANCER, FAMILIAL; Hereditary breast cancer; hereditary breast carcinoma. Identifiers: Orphanet 227535, MedGen C0346153, MONDO:0016419, OMIM 114480. Disease mechanism: loss of function.
Hereditary cancer-predisposing syndrome. Also called: Neoplastic Syndromes, Hereditary; Tumor predisposition; Hereditary Cancer Syndrome; Hereditary neoplastic syndrome. Identifiers: Orphanet 140162, MedGen C0027672, MeSH D009386, MONDO:0015356.

Allele frequency attached by ClinVar (database versions not stated): gnomAD exomes below 0.00001.
gnomAD v4.1: 2 of 1,614,132 alleles (0.00012%); highest among the groups gnomAD compares: Non-Finnish European, 0.00017%; no homozygotes.

Submissions (2):

Myriad Genetics, Inc.
Classification: Pathogenic for Familial cancer of breast. Last evaluated: 2023-05-30. Review status: criteria provided, single submitter. Criteria: Myriad Autosomal Dominant, Autosomal Recessive and X-Linked Classification Criteria (2023). Collection method: clinical testing. Allele origin: unknown.
Comment: This variant is considered pathogenic. This variant creates a termination codon and is predicted to result in premature protein truncation.

Ambry Genetics
Classification: Pathogenic for Hereditary cancer-predisposing syndrome. Last evaluated: 2017-08-16. Review status: criteria provided, single submitter. Criteria: Ambry Variant Classification Scheme 2023. Collection method: clinical testing. Allele origin: germline.
Comment: The p.S105* pathogenic mutation (also known as c.314C>G), located in coding exon 3 of the BRIP1 gene, results from a C to G substitution at nucleotide position 314. This changes the amino acid from a serine to a stop codon within coding exon 3. This alteration is expected to result in loss of function by premature protein truncation or nonsense-mediated mRNA decay. As such, this alteration is interpreted as a disease-causing mutation.

NM_032043.3(BRIP1):c.314C>G (p.Ser105Ter)

Gene: BRIP1 (BRCA1 interacting DNA helicase 1; minus strand). Cytogenetic location: 17q23.2.
Variant type: single nucleotide variant.
Coding change: c.314C>G on transcript NM_032043.3 (MANE Select); coding-DNA position 314, C replaced by G.
Protein change: p.Ser105Ter; replaces serine 105 with a stop codon.
Molecular consequence: nonsense.
Genome position (GRCh38, 1-based): chr17:61,857,123, G>C on the plus strand (C>G on the coding strand, the complement: BRIP1 is on the minus strand). VCF-style: chr17-61857123-G-C. GRCh37 (hg19) VCF-style: chr17-59934484-G-C.
Other names: short protein forms S105*.
Identifiers: ClinVar variation 481671 (VCV000481671.7), dbSNP rs1555617829, ClinGen allele CA400485388.